The following is an entry in ClinVar:

NM_152564.5(VPS13B):c.4796A>G (p.Asp1599Gly)

Gene: VPS13B (vacuolar protein sorting 13 homolog B; plus strand). Cytogenetic location: 8q22.2.
Variant type: single nucleotide variant.
Coding change: c.4796A>G on transcript NM_152564.5 (MANE Select); coding-DNA position 4796, A replaced by G.
Protein change: p.Asp1599Gly; replaces aspartic acid 1599 with glycine.
Molecular consequence: missense variant.
Genome position (GRCh38, 1-based): chr8:99,556,500, A>G. VCF-style: chr8-99556500-A-G. GRCh37 (hg19) VCF-style: chr8-100568728-A-G.
Other names: c.4871A>G (NM_017890.3); c.4796A>G (NM_152564.4); c.4871A>G, p.Asp1624Gly (NM_017890.5); short protein forms D1624G, D1599G.
Identifiers: ClinVar variation 839866 (VCV000839866.12), dbSNP rs1288339042, ClinGen allele CA371869020.

ClinVar aggregate classification (germline): Uncertain significance. Review status: criteria provided, multiple submitters, no conflicts (2 of 4 stars). 5 submissions from 5 submitters: Uncertain significance (4). 1 of the submissions does not count toward it. Last evaluated 2026-04-22.

Conditions:
VPS13B-related disorder. Also called: VPS13B-related condition.
Cohen syndrome (COH1). Also called: PEPPER SYNDROME; Cutis verticis gyrata, retinitis pigmentosa, and sensorineural deafness. Identifiers: Orphanet 193, MedGen C0265223, MONDO:0008999, OMIM 216550.
Inborn genetic diseases. Identifiers: MedGen C0950123, MeSH D030342.

Allele frequency attached by ClinVar (database versions not stated): gnomAD exomes below 0.00001 and 0.00003; gnomAD 0.00003 and 0.00004; TOPMed 0.00003.
gnomAD v4.1: 50 of 1,613,108 alleles (0.0031%); highest among the groups gnomAD compares: Non-Finnish European, 0.004%; no homozygotes.

Submissions (5):

PreventionGenetics, part of Exact Sciences
Classification: Uncertain significance for VPS13B-related condition. Last evaluated: 2026-04-22. Review status: criteria provided, single submitter. Criteria: ACMG Guidelines, 2015. Collection method: clinical testing. Allele origin: germline.
Comment: The VPS13B c.4796A>G variant is predicted to result in the amino acid substitution p.Asp1599Gly. To our knowledge, this variant has not been reported in the literature. This variant is reported in 0.00088% of alleles in individuals of European (Non-Finnish) descent in gnomAD. At this time, the clinical significance of this variant is uncertain due to the absence of conclusive functional and genetic evidence.

Ambry Genetics
Classification: Uncertain significance for Inborn genetic diseases. Last evaluated: 2023-06-12. Review status: criteria provided, single submitter. Criteria: Ambry Variant Classification Scheme 2023. Collection method: clinical testing. Allele origin: germline.

Labcorp Genetics (formerly Invitae), Labcorp
Classification: Uncertain significance for Cohen syndrome. Last evaluated: 2022-08-16. Review status: criteria provided, single submitter. Criteria: Invitae Variant Classification Sherloc (09022015). Collection method: clinical testing. Allele origin: germline.
Comment: This sequence change replaces aspartic acid with glycine at codon 1624 of the VPS13B protein (p.Asp1624Gly). The aspartic acid residue is moderately conserved and there is a moderate physicochemical difference between aspartic acid and glycine. This variant is not present in population databases (gnomAD no frequency). This variant has not been reported in the literature in individuals affected with VPS13B-related conditions. ClinVar contains an entry for this variant (Variation ID: 839866). Algorithms developed to predict the effect of missense changes on protein structure and function are either unavailable or do not agree on the potential impact of this missense change (SIFT: "Not Available"; PolyPhen-2: "Probably Damaging"; Align-GVGD: "Not Available"). In summary, the available evidence is currently insufficient to determine the role of this variant in disease. Therefore, it has been classified as a Variant of Uncertain Significance.

GeneDx
Classification: Uncertain significance. Last evaluated: 2019-10-25. Review status: criteria provided, single submitter. Criteria: GeneDx Variant Classification Process June 2021. Collection method: clinical testing. Allele origin: germline. Affected: yes.
Comment: Not observed at a significant frequency in large population cohorts (Lek et al., 2016); In silico analysis, which includes protein predictors and evolutionary conservation, supports a deleterious effect; Has not been previously published as pathogenic or benign to our knowledge

Natera, Inc.
Classification: Uncertain significance for Cohen syndrome. Last evaluated: 2020-10-12. Review status: no assertion criteria provided. Collection method: clinical testing. Allele origin: germline. Not counted in ClinVar's aggregate classification.